The following is an entry in ClinVar:

NM_000465.4(BARD1):c.1677+10G>A

Gene: BARD1 (BRCA1 associated RING domain 1; minus strand). Cytogenetic location: 2q35.
Variant type: single nucleotide variant.
Coding change: c.1677+10G>A on transcript NM_000465.4 (MANE Select); 10 bases into the intron after coding-DNA position 1677, G replaced by A.
Molecular consequence: intron variant.
Genome position (GRCh38, 1-based): chr2:214,752,437, C>T on the plus strand (G>A on the coding strand, the complement: BARD1 is on the minus strand). VCF-style: chr2-214752437-C-T. GRCh37 (hg19) VCF-style: chr2-215617161-C-T.
Other names: c.267+10G>A (NM_001282548.2); c.1620+10G>A (NM_001282543.2); c.324+10G>A (NM_001282545.2); c.365-21929G>A (NM_001282549.2).
Identifiers: ClinVar variation 1134793 (VCV001134793.11), dbSNP rs2106038483, ClinGen allele CA2499215622.

ClinVar aggregate classification (germline): Likely benign. Review status: criteria provided, multiple submitters, no conflicts (2 of 4 stars). 2 submissions from 2 submitters: Likely benign (2). Last evaluated 2024-07-26.

Conditions:
Familial cancer of breast. Also called: hereditary breast carcinoma; Hereditary breast cancer; BREAST CANCER, FAMILIAL. Identifiers: Orphanet 227535, MedGen C0346153, MONDO:0016419, OMIM 114480. Disease mechanism: loss of function.

Submissions (2):

Myriad Genetics, Inc.
Classification: Likely benign for Familial cancer of breast. Last evaluated: 2024-07-26. Review status: criteria provided, single submitter. Criteria: Myriad Autosomal Dominant, Autosomal Recessive and X-Linked Classification Criteria (2023). Collection method: clinical testing. Allele origin: unknown.
Comment: This variant is considered likely benign. This variant is intronic and is not expected to impact mRNA splicing.

Labcorp Genetics (formerly Invitae), Labcorp
Classification: Likely benign for Familial cancer of breast. Last evaluated: 2019-05-22. Review status: criteria provided, single submitter. Criteria: Invitae Variant Classification Sherloc (09022015). Collection method: clinical testing. Allele origin: germline.